The following is an entry in ClinVar:

NM_000719.7(CACNA1C):c.6260dup (p.Gln2088fs)

Genes: CACNA1C (calcium voltage-gated channel subunit alpha1 C; plus strand), CACNA1C-AS1 (CACNA1C antisense RNA 1; minus strand). Cytogenetic location: 12p13.33.
Variant type: Duplication.
Coding change: c.6260dup on transcript NM_000719.7 (MANE Select); coding-DNA position 6260, one base duplicated (C; older notation c.6260dupC).
Protein change: p.Gln2088fs; shifts the reading frame from glutamine 2088.
Molecular consequence: frameshift variant.
Genome position (GRCh38, 1-based): chr12:2,691,042, C duplicated; the last of 4 consecutive C bases (chr12:2,691,039-2,691,042); duplicating any one gives the same sequence. VCF-style (leftmost placement, unchanged base first): chr12-2691038-G-GC. GRCh37 (hg19) VCF-style: chr12-2800204-G-GC.
Other names: c.6404dup, p.Gln2136fs (NM_001129827.2); c.6383dup, p.Gln2129fs (NM_001129829.2); c.6365dup, p.Gln2123fs (NM_001129830.3, NM_001167624.3); c.6344dup, p.Gln2116fs (NM_001129831.2); c.6320dup, p.Gln2108fs (NM_001129832.2); c.6317dup, p.Gln2107fs (NM_001129833.2, NM_001129834.2, NM_001129835.2); c.6311dup, p.Gln2105fs (NM_001129836.2); c.6284dup, p.Gln2096fs (NM_001129837.2, NM_001129838.2); and 6 more; short protein forms Q2094fs, Q2096fs, Q2105fs, Q2077fs, Q2088fs, Q2107fs, Q2108fs, Q2129fs.
Identifiers: ClinVar variation 2024762 (VCV002024762.4), dbSNP rs2535499625, ClinGen allele CA2580085146.

ClinVar aggregate classification (germline): Uncertain significance (1 of 4 stars; one submission).

Conditions:
Long QT syndrome (LQTS). Identifiers: MedGen C0023976, MeSH D008133, MONDO:0002442. Disease mechanism: loss of function. Inheritance: Various modes of inheritance.

Submission:

Labcorp Genetics (formerly Invitae), Labcorp
Classification: Uncertain significance for Long QT syndrome. Last evaluated: 2022-05-25. Review status: criteria provided, single submitter. Criteria: Invitae Variant Classification Sherloc (09022015). Collection method: clinical testing. Allele origin: germline.
Comment: In summary, the available evidence is currently insufficient to determine the role of this variant in disease. Therefore, it has been classified as a Variant of Uncertain Significance. Experimental studies and prediction algorithms are not available or were not evaluated, and the functional significance of this variant is currently unknown. This variant has not been reported in the literature in individuals affected with CACNA1C-related conditions. This variant is not present in population databases (gnomAD no frequency). This sequence change creates a premature translational stop signal (p.Gln2088Thrfs*38) in the CACNA1C gene. While this is not anticipated to result in nonsense mediated decay, it is expected to disrupt the last 51 amino acid(s) of the CACNA1C protein.